The following is an entry in ClinVar:

NM_001145026.2(PTPRQ):c.4102G>A (p.Gly1368Arg)

Gene: PTPRQ (protein tyrosine phosphatase receptor type Q; plus strand). Cytogenetic location: 12q21.31.
Variant type: single nucleotide variant.
Coding change: c.4102G>A on transcript NM_001145026.2 (MANE Select); coding-DNA position 4102, G replaced by A.
Protein change: p.Gly1368Arg; replaces glycine 1368 with arginine.
Molecular consequence: missense variant.
Genome position (GRCh38, 1-based): chr12:80,549,551, G>A. VCF-style: chr12-80549551-G-A. GRCh37 (hg19) VCF-style: chr12-80943330-G-A.
Other names: short protein forms G1368R.
Identifiers: ClinVar variation 3251157 (VCV003251157.18), dbSNP rs2541611707.

ClinVar aggregate classification (germline): Uncertain significance (1 of 4 stars; one submission).

Submission:

CeGaT Center for Human Genetics Tuebingen
Classification: Uncertain significance. Last evaluated: 2024-06-01. Review status: criteria provided, single submitter. Criteria: CeGaT Center For Human Genetics Tuebingen Variant Classification Criteria Version 2. Collection method: clinical testing. Allele origin: germline. Affected: yes. Observed: 1 variant allele.
Comment: PTPRQ: PM2, BP4